The following is an entry in ClinVar:

NM_001372043.1(PCSK5):c.4740C>A (p.Cys1580Ter)

Gene: PCSK5 (proprotein convertase subtilisin/kexin type 5; plus strand). Cytogenetic location: 9q21.13.
Variant type: single nucleotide variant.
Coding change: c.4740C>A on transcript NM_001372043.1 (MANE Select); coding-DNA position 4740, C replaced by A.
Protein change: p.Cys1580Ter; replaces cysteine 1580 with a stop codon.
Molecular consequence: nonsense.
Genome position (GRCh38, 1-based): chr9:76,332,602, C>A. VCF-style: chr9-76332602-C-A. GRCh37 (hg19) VCF-style: chr9-78947518-C-A.
Other names: c.4659C>A, p.Cys1553Ter (NM_001190482.2); short protein forms C1553*, C1580*.
Identifiers: ClinVar variation 2635541 (VCV002635541.1), dbSNP rs1038727704, ClinGen allele CA373694509.
Genomic context (GRCh38, chr9:76,332,602, plus strand): 5'-GCAGTGCCACTCCTGCCGACCGGGCTGGTTCCAGCTAGGAAAAGAGTGCCTGCTCCAGTG[C>A]AGGGAAGGGTAAGTGCTCAATACATTTTCCCCCATGTAATTTCACAGCCACAGCAGATAT-3'

ClinVar aggregate classification (germline): Uncertain significance (1 of 4 stars; one submission).

Conditions:
PCSK5-related disorder. Also called: PCSK5-related condition.

Allele frequency attached by ClinVar (database versions not stated): TOPMed below 0.00001; gnomAD 0.00001.

Submission:

PreventionGenetics, part of Exact Sciences
Classification: Uncertain significance for PCSK5-related condition. Last evaluated: 2022-12-21. Review status: criteria provided, single submitter. Criteria: ACMG Guidelines, 2015. Collection method: clinical testing. Allele origin: germline.
Comment: The PCSK5 c.4659C>A variant is predicted to result in premature protein termination (p.Cys1553*). To our knowledge, this variant has not been reported in the literature or in a large population database, indicating this variant is rare. At this time, the clinical significance of this variant is uncertain due to the absence of conclusive functional and genetic evidence.